The following is an entry in ClinVar:

ClinVar aggregate classification (germline): Uncertain significance (1 of 4 stars; one submission).

Conditions:
Intellectual developmental disorder, autosomal dominant 1. Also called: MBD5 Haploinsufficiency; Intellectual disability, autosomal dominant 1. Identifiers: Orphanet 228402, MedGen C1969562, MONDO:0007974, OMIM 156200.

Submission:

Labcorp Genetics (formerly Invitae), Labcorp
Classification: Uncertain significance for Intellectual developmental disorder, autosomal dominant 1. Last evaluated: 2024-10-23. Review status: criteria provided, single submitter. Criteria: Invitae Variant Classification Sherloc (09022015). Collection method: clinical testing. Allele origin: germline.
Comment: This sequence change replaces glycine, which is neutral and non-polar, with glutamic acid, which is acidic and polar, at codon 637 of the MBD5 protein (p.Gly637Glu). This variant is not present in population databases (gnomAD no frequency). This variant has not been reported in the literature in individuals affected with MBD5-related conditions. ClinVar contains an entry for this variant (Variation ID: 2009326). Invitae Evidence Modeling of protein sequence and biophysical properties (such as structural, functional, and spatial information, amino acid conservation, physicochemical variation, residue mobility, and thermodynamic stability) indicates that this missense variant is not expected to disrupt MBD5 protein function with a negative predictive value of 80%. In summary, the available evidence is currently insufficient to determine the role of this variant in disease. Therefore, it has been classified as a Variant of Uncertain Significance.

NM_001378120.1(MBD5):c.1910G>A (p.Gly637Glu)

Gene: MBD5 (methyl-CpG binding domain protein 5; plus strand). Cytogenetic location: 2q23.1.
Variant type: single nucleotide variant.
Coding change: c.1910G>A on transcript NM_001378120.1 (MANE Select); coding-DNA position 1910, G replaced by A.
Protein change: p.Gly637Glu; replaces glycine 637 with glutamic acid.
Molecular consequence: missense variant.
Genome position (GRCh38, 1-based): chr2:148,469,853, G>A. VCF-style: chr2-148469853-G-A. GRCh37 (hg19) VCF-style: chr2-149227422-G-A.
Other names: c.1910G>A, p.Gly637Glu (NM_018328.5); short protein forms G637E.
Identifiers: ClinVar variation 2009326 (VCV002009326.4), dbSNP rs2469870789, ClinGen allele CA348720703.